The following is an entry in ClinVar:

NM_003611.3(OFD1):c.2168C>T (p.Ser723Leu)

Gene: OFD1 (OFD1 centriole and centriolar satellite protein; plus strand). Cytogenetic location: Xp22.2.
Variant type: single nucleotide variant.
Coding change: c.2168C>T on transcript NM_003611.3 (MANE Select); coding-DNA position 2168, C replaced by T.
Protein change: p.Ser723Leu; replaces serine 723 with leucine.
Molecular consequence: missense variant.
Genome position (GRCh38, 1-based): chrX:13,760,628, C>T. VCF-style: chrX-13760628-C-T. GRCh37 (hg19) VCF-style: chrX-13778747-C-T.
Other names: c.2048C>T, p.Ser683Leu (NM_001330209.2); c.1748C>T, p.Ser583Leu (NM_001330210.2); short protein forms S723L, S583L, S683L.
Identifiers: ClinVar variation 194632 (VCV000194632.12), dbSNP rs746300545, ClinGen allele CA240715.

ClinVar aggregate classification (germline): Conflicting classifications of pathogenicity. Review status: criteria provided, conflicting classifications (1 of 4 stars). 3 submissions from 3 submitters: Uncertain significance (2); Likely benign (1). Last evaluated 2025-10-09.

Conditions:
Orofaciodigital syndrome I (OFD1). Also called: Oral-Facial-Digital Syndrome Type I; Papillon-Leage and Psaume Syndrome; OFDS I. Identifiers: Orphanet 2750, MedGen C1510460, MONDO:0010702, OMIM 311200.
Joubert syndrome. Also called: JOUBERT-BOLTSHAUSER SYNDROME; Familial aplasia of the vermis. Identifiers: Orphanet 475, MedGen C5979921, MONDO:0018772.
Primary ciliary dyskinesia. Also called: Ciliary dyskinesia. Identifiers: Orphanet 244, MedGen C0008780, MONDO:0016575, HP:0012265.

Allele frequency attached by ClinVar (database versions not stated): gnomAD exomes 0.00003; TOPMed 0.00003; ExAC 0.00004; gnomAD 0.00002.
gnomAD v4.1: 17 of 1,209,651 alleles (0.0014%); highest among the groups gnomAD compares: African/African-American, 0.007%; no homozygotes.

Submissions (3):

Labcorp Genetics (formerly Invitae), Labcorp
Classification: Uncertain significance for Orofaciodigital syndrome I; Joubert syndrome. Last evaluated: 2025-10-09. Review status: criteria provided, single submitter. Criteria: Invitae Variant Classification Sherloc (09022015). Collection method: clinical testing. Allele origin: germline.
Comment: This sequence change replaces serine, which is neutral and polar, with leucine, which is neutral and non-polar, at codon 723 of the OFD1 protein (p.Ser723Leu). This variant is present in population databases (rs746300545, gnomAD 0.02%). This variant has not been reported in the literature in individuals affected with OFD1-related conditions. ClinVar contains an entry for this variant (Variation ID: 194632). Invitae Evidence Modeling of protein sequence and biophysical properties (such as structural, functional, and spatial information, amino acid conservation, physicochemical variation, residue mobility, and thermodynamic stability) indicates that this missense variant is not expected to disrupt OFD1 protein function with a negative predictive value of 80%. In summary, the available evidence is currently insufficient to determine the role of this variant in disease. Therefore, it has been classified as a Variant of Uncertain Significance.

Ambry Genetics
Classification: Likely benign for Primary ciliary dyskinesia. Last evaluated: 2024-08-14. Review status: criteria provided, single submitter. Criteria: Ambry Variant Classification Scheme 2023. Collection method: clinical testing. Allele origin: germline.

Eurofins Ntd Llc (ga)
Classification: Uncertain significance. Last evaluated: 2015-05-08. Review status: criteria provided, single submitter. Criteria: EGL Classification Definitions 2015. Collection method: clinical testing. Allele origin: germline. Observed: 1 variant allele, 1 hemizygote.